The following is an entry in ClinVar:

NM_148960.3(CLDN19):c.223G>C (p.Gly75Arg)

Gene: CLDN19 (claudin 19; minus strand). Cytogenetic location: 1p34.2.
Variant type: single nucleotide variant.
Coding change: c.223G>C on transcript NM_148960.3 (MANE Select); coding-DNA position 223, G replaced by C.
Protein change: p.Gly75Arg; replaces glycine 75 with arginine.
Molecular consequence: missense variant.
Genome position (GRCh38, 1-based): chr1:42,739,841, C>G on the plus strand (G>C on the coding strand, the complement: CLDN19 is on the minus strand). VCF-style: chr1-42739841-C-G. GRCh37 (hg19) VCF-style: chr1-43205512-C-G.
Other names: c.223G>C, p.Gly75Arg (NM_001123395.2, NM_001185117.2); c.223G>C (NM_148960.2); short protein forms G75R.
Identifiers: ClinVar variation 3777110 (VCV003777110.1).

ClinVar aggregate classification (germline): Likely pathogenic (1 of 4 stars; one submission).

Conditions:
Renal hypomagnesemia 5 with ocular involvement. Also called: FHHNC WITH SEVERE OCULAR INVOLVEMENT; HYPOMAGNESEMIA, FAMILIAL, WITH HYPERCALCIURIA, NEPHROCALCINOSIS, AND SEVERE OCULAR INVOLVEMENT; MACULAR COLOBOMA, BILATERAL, WITH HYPERCALCIURIA; HYPOMAGNESEMIA 5, RENAL, WITH OR WITHOUT OCULAR INVOLVEMENT. Identifiers: Orphanet 2196, MedGen C4721891, MONDO:0009548, OMIM 248190.

gnomAD v4.1: 1 of 1,612,508 alleles (0.000062%); highest among the groups gnomAD compares: Non-Finnish European, 0.000085%; no homozygotes.

Submission:

University of Washington Department of Laboratory Medicine, University of Washington
Classification: Likely pathogenic for Renal hypomagnesemia 5 with ocular involvement. Last evaluated: 2022-10-07. Review status: criteria provided, single submitter. Criteria: ACMG Guidelines, 2015. Collection method: clinical testing. Allele origin: paternal. Affected: yes.
Comment: The p.Gly75Arg variant in the CLDN19 gene has not been previously reported in association with disease. The presence of this variant with an established disease-causing variant on the opposite allele increases suspicion for its pathogenicity. This variant was absent from large population databases, including the Genome Aggregation Database. Different amino acid changes at this residue (p.Gly75Cys, p.Gly75Ser) have been reported in trans with an established disease-causing variant in unrelated individuals with FHHNC (Claverie-Martín 2013); the p.Gly75Ser variant has also been reported in the homozygous state in an affected individual (Rahmani 2021). The p.Gly75Arg variant alters the canonical donor splice site in intron 1, and computational tools predict an impact to splicing. These predictions have not been tested directly. Using ACMG guidelines, this variant was classified as likely pathogenic for autosomal recessive familial hypomagnesemia with hypercalciuria and nephrocalcinosis (ACMG evidence codes used: PM3_supporting, PM5, PM2_supporting, PP3_moderate).